The following is an entry in ClinVar:

NM_144658.4(DOCK11):c.5653C>T (p.Arg1885Cys)

Gene: DOCK11 (dedicator of cytokinesis 11; plus strand). Cytogenetic location: Xq24.
Variant type: single nucleotide variant.
Coding change: c.5653C>T on transcript NM_144658.4 (MANE Select); coding-DNA position 5653, C replaced by T.
Protein change: p.Arg1885Cys; replaces arginine 1885 with cysteine.
Molecular consequence: missense variant.
Genome position (GRCh38, 1-based): chrX:118,680,674, C>T. VCF-style: chrX-118680674-C-T. GRCh37 (hg19) VCF-style: chrX-117814637-C-T.
Other names: short protein forms R1885C.
Identifiers: ClinVar variation 2499987 (VCV002499987.3), dbSNP rs750008778, ClinGen allele CA10499773.

ClinVar aggregate classification (germline): Likely pathogenic. Review status: criteria provided, single submitter (1 of 4 stars). 3 submissions from 3 submitters: Likely pathogenic (1). 2 of the submissions do not count toward it. Last evaluated 2025-01-29.

Conditions:
DOCK11 deficiency.
Autoinflammatory disease, multisystem, with immune dysregulation, X-linked (ADMIDX). Identifiers: MedGen C5829577, MONDO:0957494, OMIM 301109.

Allele frequency attached by ClinVar (database versions not stated): ExAC 0.00002; gnomAD 0.00002; gnomAD exomes 0.00004; TOPMed 0.00004; 1000 Genomes Project 30x 0.00021.
gnomAD v4.1: 45 of 1,187,281 alleles (0.0038%); highest among the groups gnomAD compares: Non-Finnish European, 0.0046%; no homozygotes.

Submissions (3):

3billion
Classification: Likely pathogenic for Autoinflammatory disease, multisystem, with immune dysregulation, X-linked. Last evaluated: 2025-01-29. Review status: criteria provided, single submitter. Criteria: ACMG Guidelines, 2015. Collection method: clinical testing. Allele origin: germline. Affected: yes.
Comment: The variant is observed at an extremely low frequency in the gnomAD v4.1.0 dataset (total allele frequency: 0.004%). Predicted Consequence/Location: Missense variant. Missense changes are a common disease-causing mechanism. In silico tool predictions suggest damaging effect of the variant on gene or gene product [REVEL: 0.38 (>=0.6, sensitivity 0.68 and specificity 0.92); 3Cnet: 0.69 (>=0.6, sensitivity 0.72 and precision 0.9)]. The same nucleotide change resulting in the same amino acid change has been previously reported to be associated with DOCK11-related disorder (ClinVar ID: VCV002499987 /PMID: 36952639). Therefore, this variant is classified as Likely pathogenic according to the recommendation of ACMG/AMP guideline.

OMIM
Classification: Pathogenic for AUTOINFLAMMATORY DISEASE, MULTISYSTEM, WITH IMMUNE DYSREGULATION, X-LINKED. Last evaluated: 2023-07-12. Review status: no assertion criteria provided. Collection method: literature only. Allele origin: germline. Not counted in ClinVar's aggregate classification.

Immunogenetics of Pediatric Autoimmune Diseases, Institut Imagine
Classification: Pathogenic for DOCK11 deficiency. Last evaluated: 2022-07-26. Review status: no assertion criteria provided. Collection method: research. Allele origin: maternal. Affected: yes. Observed: 1 variant allele. Not counted in ClinVar's aggregate classification.

Literature cited by the submitters: PubMed 36952639 (cited by 3billion and OMIM).